The following is an entry in ClinVar:

NM_001165963.4(SCN1A):c.4653C>G (p.Ile1551Met)

Genes: SCN1A (sodium voltage-gated channel alpha subunit 1; minus strand), LOC102724058 (uncharacterized LOC102724058; plus strand). Cytogenetic location: 2q24.3.
Variant type: single nucleotide variant.
Coding change: c.4653C>G on transcript NM_001165963.4 (MANE Select); coding-DNA position 4653, C replaced by G.
Protein change: p.Ile1551Met; replaces isoleucine 1551 with methionine.
Molecular consequence: missense variant. On other transcripts: non-coding transcript variant (1).
Genome position (GRCh38, 1-based): chr2:165,994,345, G>C on the plus strand (C>G on the coding strand, the complement: SCN1A is on the minus strand). VCF-style: chr2-165994345-G-C. GRCh37 (hg19) VCF-style: chr2-166850855-G-C.
Other names: c.4569C>G, p.Ile1523Met (NM_001165964.3, NM_001353957.2, NM_001353958.2); c.4653C>G, p.Ile1551Met (NM_001202435.3, NM_001353948.2); c.4620C>G, p.Ile1540Met (NM_001353949.2, NM_001353950.2, NM_001353951.2 and 2 more transcripts); c.4617C>G, p.Ile1539Met (NM_001353954.2, NM_001353955.2); c.4566C>G, p.Ile1522Met (NM_001353960.2); c.2211C>G, p.Ile737Met (NM_001353961.2); short protein forms I1523M, I1551M, I1539M, I1522M, I1540M, I737M.
Identifiers: ClinVar variation 1465360 (VCV001465360.9), dbSNP rs2105449247, ClinGen allele CA349072221.
Genomic context (GRCh38, chr2:165,994,345, plus strand): 5'-GGTAGTCACATATTCACTCTGGTCATCTGTTTCCACCATCATTGTGACCATGTTAAGACA[G>C]ATGAGAATCATGATGCTTATGTCAAAAACTTGTCTGGTTACGAAGTCAAAGACCATTCCT-3'
Protein context (NP_001159435.1, residues 1541-1561): QVFDISIMIL[Ile1551Met]CLNMVTMMVE

ClinVar aggregate classification (germline): Uncertain significance (1 of 4 stars; one submission).

Conditions:
Early-infantile DEE. Also called: Ohtahara syndrome; Early infantile epileptic encephalopathy with suppression bursts; Early infantile epileptic encephalopathy. Identifiers: Orphanet 1934, MedGen C0393706, MONDO:0800491.

Submission:

Labcorp Genetics (formerly Invitae), Labcorp
Classification: Uncertain significance for Early-infantile DEE. Last evaluated: 2022-02-05. Review status: criteria provided, single submitter. Criteria: Invitae Variant Classification Sherloc (09022015). Collection method: clinical testing. Allele origin: germline.
Comment: In summary, the available evidence is currently insufficient to determine the role of this variant in disease. Therefore, it has been classified as a Variant of Uncertain Significance. Advanced modeling of protein sequence and biophysical properties (such as structural, functional, and spatial information, amino acid conservation, physicochemical variation, residue mobility, and thermodynamic stability) performed at Invitae indicates that this missense variant is expected to disrupt SCN1A protein function. This variant has not been reported in the literature in individuals affected with SCN1A-related conditions. This variant is not present in population databases (gnomAD no frequency). This sequence change replaces isoleucine, which is neutral and non-polar, with methionine, which is neutral and non-polar, at codon 1551 of the SCN1A protein (p.Ile1551Met).